The following is an entry in ClinVar:

ClinVar aggregate classification (germline): Likely benign (1 of 4 stars; one submission).

Allele frequency attached by ClinVar (database versions not stated): gnomAD 0.00007; TOPMed 0.00007; ExAC 0.00008; ESP Exome Variant Server 0.00008; gnomAD exomes 0.00008; 1000 Genomes Project 30x 0.00062; 1000 Genomes Project 0.00080.
gnomAD v4.1: 124 of 1,613,662 alleles (0.0077%); highest among the groups gnomAD compares: East Asian, 0.045%; no homozygotes.

Submission:

CeGaT Center for Human Genetics Tuebingen
Classification: Likely benign. Last evaluated: 2024-01-01. Review status: criteria provided, single submitter. Criteria: CeGaT Center For Human Genetics Tuebingen Variant Classification Criteria Version 2. Collection method: clinical testing. Allele origin: germline. Affected: yes. Observed: 1 variant allele.
Comment: SPTBN4: BP4, BP7

NM_020971.3(SPTBN4):c.5526C>T (p.Asp1842=)

Gene: SPTBN4 (spectrin beta, non-erythrocytic 4; plus strand). Cytogenetic location: 19q13.2.
Variant type: single nucleotide variant.
Coding change: c.5526C>T on transcript NM_020971.3 (MANE Select); coding-DNA position 5526, C replaced by T.
Protein change: p.Asp1842=; no amino-acid change (aspartic acid 1842 retained).
Molecular consequence: synonymous variant.
Genome position (GRCh38, 1-based): chr19:40,557,259, C>T. VCF-style: chr19-40557259-C-T. GRCh37 (hg19) VCF-style: chr19-41063165-C-T.
Other names: c.1554C>T, p.Asp518= (NM_025213.3).
Identifiers: ClinVar variation 3025180 (VCV003025180.22), dbSNP rs374234251, ClinGen allele CA9446517.